The following is an entry in ClinVar:

ClinVar aggregate classification (germline): Uncertain significance. Review status: criteria provided, multiple submitters, no conflicts (2 of 4 stars). 2 submissions from 2 submitters: Uncertain significance (2). Last evaluated 2021-10-06.

Conditions:
Autosomal recessive limb-girdle muscular dystrophy type 2P. Also called: MUSCULAR DYSTROPHY, LIMB-GIRDLE, TYPE 2P; MUSCULAR DYSTROPHY-DYSTROGLYCANOPATHY, LIMB-GIRDLE, DAG1-RELATED; Limb-Girdle Muscular Dystrophy Type 9C. Identifiers: Orphanet 280333, MedGen C4511963, MONDO:0013440, OMIM 613818.
Muscular dystrophy-dystroglycanopathy (congenital with brain and eye anomalies), type A9. Also called: Muscular dystrophy-dystroglycanopathy (congenital with brain and eye anomalies), type a, 9; WALKER-WARBURG SYNDROME OR MUSCLE-EYE BRAIN DISEASE, DAG1-RELATED. Identifiers: Orphanet 370997, Orphanet 899, MedGen C4225291, MONDO:0014683, OMIM 616538.

Allele frequency attached by ClinVar (database versions not stated): TOPMed below 0.00001; gnomAD 0.00001.
gnomAD v4.1: 8 of 1,614,004 alleles (0.0005%); highest among the groups gnomAD compares: Non-Finnish European, 0.00068%; no homozygotes.

Submissions (2):

Labcorp Genetics (formerly Invitae), Labcorp
Classification: Uncertain significance for Autosomal recessive limb-girdle muscular dystrophy type 2P; Muscular dystrophy-dystroglycanopathy (congenital with brain and eye anomalies), type A9. Last evaluated: 2021-10-06. Review status: criteria provided, single submitter. Criteria: Invitae Variant Classification Sherloc (09022015). Collection method: clinical testing. Allele origin: germline.
Comment: This sequence change replaces arginine with histidine at codon 598 of the DAG1 protein (p.Arg598His). The arginine residue is moderately conserved and there is a small physicochemical difference between arginine and histidine. This variant is present in population databases (rs201268364, ExAC 0.002%). This variant has not been reported in the literature in individuals affected with DAG1-related conditions. Algorithms developed to predict the effect of missense changes on protein structure and function (SIFT, PolyPhen-2, Align-GVGD) all suggest that this variant is likely to be tolerated. In summary, the available evidence is currently insufficient to determine the role of this variant in disease. Therefore, it has been classified as a Variant of Uncertain Significance.

Revvity Omics, Revvity
Classification: Uncertain significance. Last evaluated: 2019-10-16. Review status: criteria provided, single submitter. Criteria: ACMG Guidelines, 2015. Collection method: clinical testing. Allele origin: germline.

NM_004393.6(DAG1):c.1793G>A (p.Arg598His)

Gene: DAG1 (dystroglycan 1; plus strand). Cytogenetic location: 3p21.31.
Variant type: single nucleotide variant.
Coding change: c.1793G>A on transcript NM_004393.6 (MANE Select); coding-DNA position 1793, G replaced by A.
Protein change: p.Arg598His; replaces arginine 598 with histidine.
Molecular consequence: missense variant.
Genome position (GRCh38, 1-based): chr3:49,532,304, G>A. VCF-style: chr3-49532304-G-A. GRCh37 (hg19) VCF-style: chr3-49569737-G-A.
Other names: c.1793G>A (NM_004393.5); c.1793G>A, p.Arg598His (NM_001165928.4, NM_001177634.3, NM_001177635.3 and 9 more transcripts); short protein forms R598H.
Identifiers: ClinVar variation 1353288 (VCV001353288.5), dbSNP rs201268364, ClinGen allele CA2399147.
Genomic context (GRCh38, chr3:49,532,304, plus strand): 5'-ATGCCACAGACAAGGGGGGCCTGTCGGCTGTGGATGCCTTCGAGATCCACGTCCACAGGC[G>A]CCCCCAAGGGGATAGGGCTCCTGCAAGGTTCAAGGCCAAGTTTGTGGGTGACCCGGCACT-3'
Protein context (NP_004384.5, residues 588-608): VDAFEIHVHR[Arg598His]PQGDRAPARF